The following is an entry in ClinVar:

ClinVar aggregate classification (germline): Uncertain significance. Review status: criteria provided, multiple submitters, no conflicts (2 of 4 stars). 2 submissions from 2 submitters: Uncertain significance (2). Last evaluated 2024-05-11.

Conditions:
Colorectal cancer, susceptibility to, 1. Also called: COLORECTAL ADENOMA AND CANCER, SUSCEPTIBILITY TO; COLORECTAL CANCER, SUSCEPTIBILITY TO, ON CHROMOSOME 9. Identifiers: MedGen C1837315, MONDO:0012132, OMIM 608812.

Allele frequency attached by ClinVar (database versions not stated): gnomAD exomes below 0.00001; TOPMed below 0.00001.
gnomAD v4.1: 3 of 1,614,190 alleles (0.00019%); highest among the groups gnomAD compares: East Asian, 0.0045%; no homozygotes.

Submissions (2):

Ambry Genetics
Classification: Uncertain significance. Last evaluated: 2024-05-11. Review status: criteria provided, single submitter. Criteria: Ambry Variant Classification Scheme 2023. Collection method: clinical testing. Allele origin: germline.
Comment: The p.E554K variant (also known as c.1660G>A), located in coding exon 10 of the GALNT12 gene, results from a G to A substitution at nucleotide position 1660. The glutamic acid at codon 554 is replaced by lysine, an amino acid with similar properties. This amino acid position is conserved. In addition, this alteration is predicted to be tolerated by in silico analysis. Since supporting evidence is limited at this time, the clinical significance of this alteration remains unclear.

Baylor Genetics
Classification: Uncertain significance for Colorectal cancer, susceptibility to, 1. Last evaluated: 2024-03-29. Review status: criteria provided, single submitter. Criteria: ACMG Guidelines, 2015. Collection method: clinical testing. Allele origin: unknown.

NM_024642.5(GALNT12):c.1660G>A (p.Glu554Lys)

Gene: GALNT12 (polypeptide N-acetylgalactosaminyltransferase 12; plus strand). Cytogenetic location: 9q22.33.
Variant type: single nucleotide variant.
Coding change: c.1660G>A on transcript NM_024642.5 (MANE Select); coding-DNA position 1660, G replaced by A.
Protein change: p.Glu554Lys; replaces glutamic acid 554 with lysine.
Molecular consequence: missense variant.
Genome position (GRCh38, 1-based): chr9:98,849,006, G>A. VCF-style: chr9-98849006-G-A. GRCh37 (hg19) VCF-style: chr9-101611288-G-A.
Other names: short protein forms E554K.
Identifiers: ClinVar variation 1777483 (VCV001777483.4), dbSNP rs1836485574, ClinGen allele CA374223001.
Genomic context (GRCh38, chr9:98,849,006, plus strand): 5'-TTGTAGGATGGATCTTTATTTCACGAACAGTCCAAGAAATGTGTCCAGGCTGCGAGGAAG[G>A]AGTCGAGTGACAGTTTCGTTCCACTCTTACGAGACTGCACCAACTCGGATCATCAGAAAT-3'
Protein context (NP_078918.3, residues 544-564): SKKCVQAARK[Glu554Lys]SSDSFVPLLR